The following is an entry in ClinVar:

NM_001004334.4(GPR179):c.206A>G (p.Gln69Arg)

Gene: GPR179 (G protein-coupled receptor 179; minus strand). Cytogenetic location: 17q12.
Variant type: single nucleotide variant.
Coding change: c.206A>G on transcript NM_001004334.4 (MANE Select); coding-DNA position 206, A replaced by G.
Protein change: p.Gln69Arg; replaces glutamine 69 with arginine.
Molecular consequence: missense variant.
Genome position (GRCh38, 1-based): chr17:38,343,584, T>C on the plus strand (A>G on the coding strand, the complement: GPR179 is on the minus strand). VCF-style: chr17-38343584-T-C. GRCh37 (hg19) VCF-style: chr17-36499467-T-C.
Other names: short protein forms Q69R.
Identifiers: ClinVar variation 2016682 (VCV002016682.4), dbSNP rs2512176421, ClinGen allele CA398889700.
Genomic context (GRCh38, chr17:38,343,584, plus strand): 5'-GGCATGGCTCCTGCCCCACGCGCTTCATAGCGCTCACTGCAATTCACCTGTGATAGCTGC[T>C]GGGCATCTCCAGAGTAGAGATAAGCGAGGGCGGCCTCGGCCCCCTCTAGGGGCACCTGCA-3'
Protein context (NP_001004334.3, residues 59-79): ALAYLYSGDA[Gln69Arg]QLSQVNCSER

ClinVar aggregate classification (germline): Uncertain significance (1 of 4 stars; one submission).

Allele frequency attached by ClinVar (database versions not stated): gnomAD exomes below 0.00001.
gnomAD v4.1: 1 of 1,613,832 alleles (0.000062%); highest among the groups gnomAD compares: Non-Finnish European, 0.000085%; no homozygotes.

Submission:

Labcorp Genetics (formerly Invitae), Labcorp
Classification: Uncertain significance. Last evaluated: 2024-02-24. Review status: criteria provided, single submitter. Criteria: Invitae Variant Classification Sherloc (09022015). Collection method: clinical testing. Allele origin: germline.
Comment: This sequence change replaces glutamine, which is neutral and polar, with arginine, which is basic and polar, at codon 69 of the GPR179 protein (p.Gln69Arg). This variant is not present in population databases (gnomAD no frequency). This variant has not been reported in the literature in individuals affected with GPR179-related conditions. ClinVar contains an entry for this variant (Variation ID: 2016682). Algorithms developed to predict the effect of missense changes on protein structure and function output the following: SIFT: "Not Available"; PolyPhen-2: "Benign"; Align-GVGD: "Not Available". The arginine amino acid residue is found in multiple mammalian species, which suggests that this missense change does not adversely affect protein function. In summary, the available evidence is currently insufficient to determine the role of this variant in disease. Therefore, it has been classified as a Variant of Uncertain Significance.